The following is an entry in ClinVar:

NM_000363.5(TNNI3):c.268T>C (p.Phe90Leu)

Gene: TNNI3 (troponin I3, cardiac type; minus strand). Cytogenetic location: 19q13.42.
Variant type: single nucleotide variant.
Coding change: c.268T>C on transcript NM_000363.5 (MANE Select); coding-DNA position 268, T replaced by C.
Protein change: p.Phe90Leu; replaces phenylalanine 90 with leucine.
Molecular consequence: missense variant.
Genome position (GRCh38, 1-based): chr19:55,156,215, A>G on the plus strand (T>C on the coding strand, the complement: TNNI3 is on the minus strand). VCF-style: chr19-55156215-A-G. GRCh37 (hg19) VCF-style: chr19-55667583-A-G.
Other names: short protein forms F90L.
Identifiers: ClinVar variation 4756359 (VCV004756359.1).
Genomic context (GRCh38, chr19:55,156,215, plus strand): 5'-TGCTGAATTCCGGGACTAGAAACCTCGCATCCTTGGGAGCCGGTACCTGCAGCTCCGCGA[A>G]GCCCAGCCCGGCCAACTCCAGCGGCTGGCAGCGGGTGCTCAGAGCGCGCCCCTTCTCTCC-3'
Protein context (NP_000354.4, residues 80-100): CQPLELAGLG[Phe90Leu]AELQDLCRQL

ClinVar aggregate classification (germline): Uncertain significance (1 of 4 stars; one submission).

Conditions:
Cardiomyopathy (CMYO). Also called: Cardiomyopathies. Identifiers: Orphanet 167848, MedGen C0878544, MONDO:0004994, HP:0001638. Inheritance: Various modes of inheritance.

Submission:

Color Diagnostics, LLC DBA Color Health
Classification: Uncertain significance for Cardiomyopathy. Last evaluated: 2025-12-15. Review status: criteria provided, single submitter. Criteria: ACMG Guidelines, 2015. Collection method: clinical testing. Allele origin: germline.
Comment: This missense variant replaces phenylalanine with leucine at codon 90 of the TNNI3 protein. Computational prediction suggests that this variant may not impact protein structure and function. To our knowledge, functional studies have not been reported for this variant. This variant has not been reported in individuals affected with TNNI3-related disorders in the literature. This variant has not been identified in the general population by the Genome Aggregation Database (gnomAD). The available evidence is insufficient to determine the role of this variant in disease conclusively. Therefore, this variant is classified as a Variant of Uncertain Significance.